The following is an entry in ClinVar:

ClinVar aggregate classification (germline): Uncertain significance. Review status: criteria provided, multiple submitters, no conflicts (2 of 4 stars). 3 submissions from 3 submitters: Uncertain significance (3). Last evaluated 2025-08-28.

Conditions:
Age related macular degeneration 1 (ARMD1). Also called: MACULOPATHY, AGE-RELATED, 1. Identifiers: MedGen C1864205, MONDO:0011285, OMIM 603075.

Allele frequency attached by ClinVar (database versions not stated): TOPMed 0.00002; gnomAD 0.00003; gnomAD exomes 0.00003 and 0.00004; ExAC 0.00005; ESP Exome Variant Server 0.00008.
gnomAD v4.1: 50 of 1,614,026 alleles (0.0031%); highest among the groups gnomAD compares: Non-Finnish European, 0.0042%; no homozygotes.

Submissions (3):

Labcorp Genetics (formerly Invitae), Labcorp
Classification: Uncertain significance. Last evaluated: 2025-08-28. Review status: criteria provided, single submitter. Criteria: Invitae Variant Classification Sherloc (09022015). Collection method: clinical testing. Allele origin: germline.
Comment: This sequence change replaces cysteine, which is neutral and slightly polar, with arginine, which is basic and polar, at codon 5341 of the HMCN1 protein (p.Cys5341Arg). This variant is present in population databases (rs375692254, gnomAD 0.01%). This variant has not been reported in the literature in individuals affected with HMCN1-related conditions. ClinVar contains an entry for this variant (Variation ID: 294301). An algorithm developed to predict the effect of missense changes on protein structure and function (PolyPhen-2) suggests that this variant is likely to be disruptive. In summary, the available evidence is currently insufficient to determine the role of this variant in disease. Therefore, it has been classified as a Variant of Uncertain Significance.

Ambry Genetics
Classification: Uncertain significance. Last evaluated: 2025-08-22. Review status: criteria provided, single submitter. Criteria: Ambry Variant Classification Scheme 2023. Collection method: clinical testing. Allele origin: germline.

Illumina Laboratory Services, Illumina
Classification: Uncertain significance for Age related macular degeneration 1. Last evaluated: 2018-01-12. Review status: criteria provided, single submitter. Criteria: ICSL Variant Classification Criteria 13 December 2019. Collection method: clinical testing. Allele origin: germline.

NM_031935.3(HMCN1):c.16021T>C (p.Cys5341Arg)

Gene: HMCN1 (hemicentin 1; plus strand). Cytogenetic location: 1q31.1.
Variant type: single nucleotide variant.
Coding change: c.16021T>C on transcript NM_031935.3 (MANE Select); coding-DNA position 16021, T replaced by C.
Protein change: p.Cys5341Arg; replaces cysteine 5341 with arginine.
Molecular consequence: missense variant.
Genome position (GRCh38, 1-based): chr1:186,178,493, T>C. VCF-style: chr1-186178493-T-C. GRCh37 (hg19) VCF-style: chr1-186147625-T-C.
Other names: short protein forms C5341R.
Identifiers: ClinVar variation 294301 (VCV000294301.7), dbSNP rs375692254, ClinGen allele CA1295463.
Genomic context (GRCh38, chr1:186,178,493, plus strand): 5'-CAAGTGCCTAAACCTTGTGCACATCAGTGCTCCAACACCCCCGGCAGCTTCAAGTGTATC[T>C]GTCCACCAGGACAACATTTATTAGGGGACGGGAAATCTTGCGCTGGATTGGAGAGGCTGC-3'
Protein context (NP_114141.2, residues 5331-5351): SNTPGSFKCI[Cys5341Arg]PPGQHLLGDG